The following is an entry in ClinVar:

ClinVar aggregate classification (germline): Likely pathogenic (1 of 4 stars; one submission).

Conditions:
Developmental and epileptic encephalopathy, 85, with or without midline brain defects. Also called: EPILEPTIC ENCEPHALOPATHY, EARLY INFANTILE, 85, WITH OR WITHOUT MIDLINE BRAIN DEFECTS. Identifiers: MedGen C5393312, MONDO:0026771, OMIM 301044.

Submission:

Breda Genetics srl
Classification: Likely pathogenic for Developmental and epileptic encephalopathy, 85, with or without midline brain defects. Last evaluated: 2020-03-03. Review status: criteria provided, single submitter. Criteria: ACMG Guidelines, 2015. Collection method: clinical testing. Allele origin: germline. Inheritance: X-linked dominant inheritance. Affected: yes. Observed: 1 variant allele, 1 heterozygote.
Comment: We have detected a heterozygous variant in exon 9 of the SMC1A gene, c.1342_1348del (p.Ser448Lysfs*6), reference transcript NM_006306.3. The variant creates a shift in the reading frame which is predicted to result in a premature stop codon 6 amino acids downstream, which is likely to result in a truncated protein or protein loss due to nonsense-mediated messenger decay (NMD). This variant has not been reported in dbSNP, gnomAD, 1000 Genomes, NHLI Exome Sequencing Project (ESP) or ClinVar.

NM_006306.4(SMC1A):c.1342_1348del (p.Ser448fs)

Gene: SMC1A (structural maintenance of chromosomes 1A; minus strand). Cytogenetic location: Xp11.22.
Variant type: Deletion.
Coding change: c.1342_1348del on transcript NM_006306.4 (MANE Select); coding-DNA positions 1342 to 1348, 7 bases deleted (TCCCTAG; older notation c.1342_1348delTCCCTAG).
Protein change: p.Ser448fs; shifts the reading frame from serine 448.
Molecular consequence: frameshift variant.
Genome position (GRCh38, 1-based): chrX:53,409,259-53,409,265, CTAGGGA deleted on the plus strand (TCCCTAG on the coding strand, the reverse complement: SMC1A is on the minus strand); deleting any 7 consecutive bases within chrX:53,409,259-53,409,267 gives the same sequence; the c. name uses the placement nearest the transcript's 3' end. VCF-style (leftmost placement, unchanged base first): chrX-53409258-TCTAGGGA-T. GRCh37 (hg19) VCF-style: chrX-53436189-TCTAGGGA-T.
Other names: c.1276_1282del, p.Ser426fs (NM_001281463.1); short protein forms S426fs, S448fs.
Identifiers: ClinVar variation 973949 (VCV000973949.3), dbSNP rs2075702300, ClinGen allele CA1139667584.